The following is an entry in ClinVar:

NM_004656.4(BAP1):c.933T>A (p.Asp311Glu)

Gene: BAP1 (BRCA1 associated deubiquitinase 1; minus strand). Cytogenetic location: 3p21.1.
Variant type: single nucleotide variant.
Coding change: c.933T>A on transcript NM_004656.4 (MANE Select); coding-DNA position 933, T replaced by A.
Protein change: p.Asp311Glu; replaces aspartic acid 311 with glutamic acid.
Molecular consequence: missense variant.
Genome position (GRCh38, 1-based): chr3:52,405,293, A>T on the plus strand (T>A on the coding strand, the complement: BAP1 is on the minus strand). VCF-style: chr3-52405293-A-T. GRCh37 (hg19) VCF-style: chr3-52439309-A-T.
Other names: c.879T>A, p.Asp293Glu (NM_001410772.1); short protein forms D293E, D311E.
Identifiers: ClinVar variation 3224485 (VCV003224485.1), dbSNP rs1553645339, ClinGen allele CA353106386.
Genomic context (GRCh38, chr3:52,405,293, plus strand): 5'-TTTGTTGGGAGGGCTGTGGGATGGGGCTTGTGCGCATGAACCAGCCGCCTCCTCTGCACC[A>T]TCTGAGACAGGGCAAGAACACAGGCAGGACCTCCAGTAGGATCTCCAAGAAAAGCTCACA-3'
Protein context (NP_004647.1, residues 301-321): APAASEGNHT[Asp311Glu]GAEEAAGSCA

ClinVar aggregate classification (germline): Uncertain significance (1 of 4 stars; one submission).

Conditions:
Hereditary cancer-predisposing syndrome. Also called: Tumor predisposition; Hereditary neoplastic syndrome; Hereditary Cancer Syndrome; Neoplastic Syndromes, Hereditary. Identifiers: Orphanet 140162, MedGen C0027672, MeSH D009386, MONDO:0015356.

Submission:

Ambry Genetics
Classification: Uncertain significance for Hereditary cancer-predisposing syndrome. Last evaluated: 2024-01-08. Review status: criteria provided, single submitter. Criteria: Ambry Variant Classification Scheme 2023. Collection method: clinical testing. Allele origin: germline.
Comment: The p.D311E variant (also known as c.933T>A), located in coding exon 11 of the BAP1 gene, results from a T to A substitution at nucleotide position 933. The aspartic acid at codon 311 is replaced by glutamic acid, an amino acid with highly similar properties. This amino acid position is conserved. In addition, this alteration is predicted to be tolerated by in silico analysis. Since supporting evidence is limited at this time, the clinical significance of this alteration remains unclear.